The following is an entry in ClinVar:

NM_001134407.3(GRIN2A):c.2855A>G (p.Lys952Arg)

Gene: GRIN2A (glutamate ionotropic receptor NMDA type subunit 2A; minus strand). Cytogenetic location: 16p13.2.
Variant type: single nucleotide variant.
Coding change: c.2855A>G on transcript NM_001134407.3 (MANE Select); coding-DNA position 2855, A replaced by G.
Protein change: p.Lys952Arg; replaces lysine 952 with arginine.
Molecular consequence: missense variant.
Genome position (GRCh38, 1-based): chr16:9,764,689, T>C on the plus strand (A>G on the coding strand, the complement: GRIN2A is on the minus strand). VCF-style: chr16-9764689-T-C. GRCh37 (hg19) VCF-style: chr16-9858546-T-C.
Other names: c.2855A>G, p.Lys952Arg (NM_000833.5, NM_001134408.2); short protein forms K952R.
Identifiers: ClinVar variation 3713632 (VCV003713632.2).
Genomic context (GRCh38, chr16:9,764,689, plus strand): 5'-TTCTGCCGGTTGGCCACAAATGTTTGGAGTTCGTTCATGTTGTCTCCAAAAATGCTCTCT[T>C]TCCCCTGAAAGGACCTGTTGTCTGAGTACATCAAATTCCCCTTATCTGAAACCATGTCCA-3'
Protein context (NP_001127879.1, residues 942-962): MYSDNRSFQG[Lys952Arg]ESIFGDNMNE

ClinVar aggregate classification (germline): Uncertain significance (1 of 4 stars; one submission).

Conditions:
Landau-Kleffner syndrome (FESD). Also called: EPILEPSY, FOCAL, WITH SPEECH DISORDER AND WITH OR WITHOUT MENTAL RETARDATION; APHASIA, ACQUIRED, WITH EPILEPSY. Identifiers: Orphanet 1945, Orphanet 725, Orphanet 98818, MedGen C0282512, MONDO:0009509, OMIM 245570.

Submission:

Labcorp Genetics (formerly Invitae), Labcorp
Classification: Uncertain significance for Landau-Kleffner syndrome. Last evaluated: 2025-09-02. Review status: criteria provided, single submitter. Criteria: Invitae Variant Classification Sherloc (09022015). Collection method: clinical testing. Allele origin: germline.
Comment: This sequence change replaces lysine, which is basic and polar, with arginine, which is basic and polar, at codon 952 of the GRIN2A protein (p.Lys952Arg). This variant is not present in population databases (gnomAD no frequency). This variant has not been reported in the literature in individuals affected with GRIN2A-related conditions. ClinVar contains an entry for this variant (Variation ID: 3713632). Invitae Evidence Modeling of protein sequence and biophysical properties (such as structural, functional, and spatial information, amino acid conservation, physicochemical variation, residue mobility, and thermodynamic stability) indicates that this missense variant is not expected to disrupt GRIN2A protein function with a negative predictive value of 95%. In summary, the available evidence is currently insufficient to determine the role of this variant in disease. Therefore, it has been classified as a Variant of Uncertain Significance.